The following is an entry in ClinVar:

ClinVar aggregate classification (germline): Pathogenic (1 of 4 stars; one submission).

Submission:

GeneDx
Classification: Pathogenic. Last evaluated: 2026-04-26. Review status: criteria provided, single submitter. Criteria: GeneDx Variant Classification Process June 2021. Collection method: clinical testing. Allele origin: germline.
Comment: Nonsense variant predicted to result in protein truncation or nonsense mediated decay in a gene for which loss of function is a known mechanism of disease; Not observed at significant frequency in large population cohorts (gnomAD); Has not been previously published as pathogenic or benign to our knowledge

NM_001374828.1(ARID1B):c.1510C>T (p.Gln504Ter)

Gene: ARID1B (AT-rich interaction domain 1B; plus strand). Cytogenetic location: 6q25.3.
Variant type: single nucleotide variant.
Coding change: c.1510C>T on transcript NM_001374828.1 (MANE Select); coding-DNA position 1510, C replaced by T.
Protein change: p.Gln504Ter; replaces glutamine 504 with a stop codon.
Molecular consequence: nonsense.
Genome position (GRCh38, 1-based): chr6:156,779,190, C>T. VCF-style: chr6-156779190-C-T. GRCh37 (hg19) VCF-style: chr6-157100324-C-T.
Other names: c.1510C>T, p.Gln504Ter (NM_001371656.1, NM_001374820.1, NM_001438482.1 and 9 more transcripts); short protein forms Q504*.
Identifiers: ClinVar variation 5036884 (VCV005036884.1).